The following is an entry in ClinVar:

NM_004525.3(LRP2):c.6425T>C (p.Ile2142Thr)

Gene: LRP2 (LDL receptor related protein 2; minus strand). Cytogenetic location: 2q31.1.
Variant type: single nucleotide variant.
Coding change: c.6425T>C on transcript NM_004525.3 (MANE Select); coding-DNA position 6425, T replaced by C.
Protein change: p.Ile2142Thr; replaces isoleucine 2142 with threonine.
Molecular consequence: missense variant.
Genome position (GRCh38, 1-based): chr2:169,209,497, A>G on the plus strand (T>C on the coding strand, the complement: LRP2 is on the minus strand). VCF-style: chr2-169209497-A-G. GRCh37 (hg19) VCF-style: chr2-170066007-A-G.
Other names: short protein forms I2142T.
Identifiers: ClinVar variation 1036763 (VCV001036763.6), dbSNP rs768909942, ClinGen allele CA1954294.

ClinVar aggregate classification (germline): Uncertain significance. Review status: criteria provided, multiple submitters, no conflicts (2 of 4 stars). 2 submissions from 2 submitters: Uncertain significance (2). Last evaluated 2025-11-24.

Allele frequency attached by ClinVar (database versions not stated): gnomAD 0.00001; gnomAD exomes 0.00001; TOPMed 0.00001; ExAC 0.00002.
gnomAD v4.1: 6 of 1,614,036 alleles (0.00037%); highest among the groups gnomAD compares: Middle Eastern, 0.016%; no homozygotes.

Submissions (2):

Labcorp Genetics (formerly Invitae), Labcorp
Classification: Uncertain significance. Last evaluated: 2025-11-24. Review status: criteria provided, single submitter. Criteria: Invitae Variant Classification Sherloc (09022015). Collection method: clinical testing. Allele origin: germline.
Comment: This sequence change replaces isoleucine, which is neutral and non-polar, with threonine, which is neutral and polar, at codon 2142 of the LRP2 protein (p.Ile2142Thr). This variant is present in population databases (rs768909942, gnomAD 0.003%). This variant has not been reported in the literature in individuals affected with LRP2-related conditions. ClinVar contains an entry for this variant (Variation ID: 1036763). Invitae Evidence Modeling of protein sequence and biophysical properties (such as structural, functional, and spatial information, amino acid conservation, physicochemical variation, residue mobility, and thermodynamic stability) indicates that this missense variant is expected to disrupt LRP2 protein function with a positive predictive value of 95%. In summary, the available evidence is currently insufficient to determine the role of this variant in disease. Therefore, it has been classified as a Variant of Uncertain Significance.

Blueprint Genetics
Classification: Uncertain significance. Last evaluated: 2024-11-26. Review status: criteria provided, single submitter. Criteria: ACMG Guidelines, 2015. Collection method: clinical testing. Allele origin: germline.